The following is an entry in ClinVar:

ClinVar aggregate classification (germline): Uncertain significance (1 of 4 stars; one submission).

Submission:

Labcorp Genetics (formerly Invitae), Labcorp
Classification: Uncertain significance. Last evaluated: 2023-05-23. Review status: criteria provided, single submitter. Criteria: Invitae Variant Classification Sherloc (09022015). Collection method: clinical testing. Allele origin: germline.
Comment: In summary, the available evidence is currently insufficient to determine the role of this variant in disease. Therefore, it has been classified as a Variant of Uncertain Significance. This variant is not present in population databases (gnomAD no frequency). This sequence change replaces proline, which is neutral and non-polar, with leucine, which is neutral and non-polar, at codon 1111 of the CENPJ protein (p.Pro1111Leu). This variant has not been reported in the literature in individuals affected with CENPJ-related conditions. ClinVar contains an entry for this variant (Variation ID: 2038381). Advanced modeling of protein sequence and biophysical properties (such as structural, functional, and spatial information, amino acid conservation, physicochemical variation, residue mobility, and thermodynamic stability) performed at Invitae indicates that this missense variant is not expected to disrupt CENPJ protein function.

NM_018451.5(CPAP):c.3332C>T (p.Pro1111Leu)

Genes: CPAP (centrosome assembly and centriole elongation protein; minus strand), RNF17 (ring finger protein 17; plus strand). Cytogenetic location: 13q12.12.
Variant type: single nucleotide variant.
Coding change: c.3332C>T on transcript NM_018451.5 (MANE Select); coding-DNA position 3332, C replaced by T.
Protein change: p.Pro1111Leu; replaces proline 1111 with leucine.
Molecular consequence: missense variant. On other transcripts: non-coding transcript variant (2).
Genome position (GRCh38, 1-based): chr13:24,885,640, G>A on the plus strand (C>T on the coding strand, the complement: CPAP is on the minus strand). VCF-style: chr13-24885640-G-A. GRCh37 (hg19) VCF-style: chr13-25459778-G-A.
Other names: short protein forms P1111L.
Identifiers: ClinVar variation 2038381 (VCV002038381.4), dbSNP rs2541605746, ClinGen allele CA387577883.
Genomic context (GRCh38, chr13:24,885,640, plus strand): 5'-AAGAATATATAAAAACAGAGATTTACTTGTCCCTTATCCAAATTGCCTAAATCACGAGGA[G>A]GTGCAGACTTGGATCTTCGAGGTGGATTGCCTATTAGAATAAAATTGTCAAGAGTTAGAT-3'
Protein context (NP_060921.3, residues 1101-1121): GNPPRRSKSA[Pro1111Leu]PRDLGNLDKG